The following is an entry in ClinVar:

NM_001009944.3(PKD1):c.11087G>A (p.Gly3696Glu)

Genes: PKD1 (polycystin 1, transient receptor potential channel interacting; minus strand), PKD1-AS1 (PKD1 antisense RNA 1; plus strand). Cytogenetic location: 16p13.3.
Variant type: single nucleotide variant.
Coding change: c.11087G>A on transcript NM_001009944.3 (MANE Select); coding-DNA position 11087, G replaced by A.
Protein change: p.Gly3696Glu; replaces glycine 3696 with glutamic acid.
Molecular consequence: missense variant.
Genome position (GRCh38, 1-based): chr16:2,093,023, C>T on the plus strand (G>A on the coding strand, the complement: PKD1 is on the minus strand). VCF-style: chr16-2093023-C-T. GRCh37 (hg19) VCF-style: chr16-2143024-C-T.
Other names: c.11084G>A, p.Gly3695Glu (NM_000296.4); short protein forms G3695E, G3696E.
Identifiers: ClinVar variation 1313275 (VCV001313275.2), dbSNP rs2151704449, ClinGen allele CA394337060.

ClinVar aggregate classification (germline): Uncertain significance (1 of 4 stars; one submission).

Submission:

GeneDx
Classification: Uncertain significance. Last evaluated: 2020-01-29. Review status: criteria provided, single submitter. Criteria: GeneDx Variant Classification Process June 2021. Collection method: clinical testing. Allele origin: germline. Affected: yes.
Comment: Not observed in large population cohorts (Lek et al., 2016); In silico analysis, which includes protein predictors and evolutionary conservation, supports that this variant does not alter protein structure/function; Has not been previously published as pathogenic or benign to our knowledge